The following is an entry in ClinVar:

NM_030912.3(TRIM8):c.353A>T (p.His118Leu)

Gene: TRIM8 (tripartite motif containing 8; plus strand). Cytogenetic location: 10q24.32.
Variant type: single nucleotide variant.
Coding change: c.353A>T on transcript NM_030912.3 (MANE Select); coding-DNA position 353, A replaced by T.
Protein change: p.His118Leu; replaces histidine 118 with leucine.
Molecular consequence: missense variant. On other transcripts: non-coding transcript variant (1).
Genome position (GRCh38, 1-based): chr10:102,644,970, A>T. VCF-style: chr10-102644970-A-T. GRCh37 (hg19) VCF-style: chr10-104404727-A-T.
Other names: c.353A>T, p.His118Leu (NM_001345950.1); short protein forms H118L.
Identifiers: ClinVar variation 2499192 (VCV002499192.1), dbSNP rs2492888042, ClinGen allele CA377925026.

ClinVar aggregate classification (germline): Uncertain significance (1 of 4 stars; one submission).

Submission:

GeneDx
Classification: Uncertain significance. Last evaluated: 2022-10-12. Review status: criteria provided, single submitter. Criteria: GeneDx Variant Classification Process June 2021. Collection method: clinical testing. Allele origin: germline. Affected: yes.
Comment: Not observed at significant frequency in large population cohorts (gnomAD); In silico analysis supports that this missense variant has a deleterious effect on protein structure/function; Has not been previously published as pathogenic or benign to our knowledge